The following is an entry in ClinVar:

ClinVar aggregate classification (germline): Benign/Likely benign. Review status: criteria provided, multiple submitters, no conflicts (2 of 4 stars). 5 submissions from 5 submitters: Benign (3); Likely benign (2). Last evaluated 2026-08-01.

Conditions:
Developmental and epileptic encephalopathy, 31A. Also called: Developmental and epileptic encephalopathy, 31; Epileptic encephalopathy, early infantile, 31. Identifiers: Orphanet 2382, MedGen C4225357, MONDO:0014598, OMIM 616346.

Allele frequency attached by ClinVar (database versions not stated): ESP Exome Variant Server 0.00223; TOPMed 0.00227; gnomAD 0.00246 and 0.00247; 1000 Genomes Project 30x 0.00062; 1000 Genomes Project 0.00080.
gnomAD v4.1: 4,746 of 1,612,622 alleles (0.29%); highest among the groups gnomAD compares: Non-Finnish European, 0.34%; 15 homozygotes.

Submissions (5):

CeGaT Center for Human Genetics Tuebingen
Classification: Likely benign. Last evaluated: 2026-08-01. Review status: criteria provided, single submitter. Criteria: CeGaT Center For Human Genetics Tuebingen Variant Classification Criteria Version 2. Collection method: clinical testing. Allele origin: germline. Affected: yes. Observed: 39 variant alleles.
Comment: DNM1: BP4, BS2

Labcorp Genetics (formerly Invitae), Labcorp
Classification: Benign for Developmental and epileptic encephalopathy, 31A. Last evaluated: 2026-02-02. Review status: criteria provided, single submitter. Criteria: Invitae Variant Classification Sherloc (09022015). Collection method: clinical testing. Allele origin: germline.

Blueprint Genetics
Classification: Likely benign. Last evaluated: 2024-11-26. Review status: criteria provided, single submitter. Criteria: ACMG Guidelines, 2015. Collection method: clinical testing. Allele origin: germline.

GeneDx
Classification: Benign. Last evaluated: 2019-03-01. Review status: criteria provided, single submitter. Criteria: GeneDx Variant Classification Process June 2021. Collection method: clinical testing. Allele origin: germline. Affected: yes.

Breakthrough Genomics
Classification: Benign. Review status: criteria provided, single submitter. Criteria: ACMG Guidelines, 2015. Collection method: not provided. Allele origin: germline. Inheritance: Autosomal dominant inheritance. Affected: yes.

NM_004408.4(DNM1):c.1197-7C>T

Gene: DNM1 (dynamin 1; plus strand). Cytogenetic location: 9q34.11.
Variant type: single nucleotide variant.
Coding change: c.1197-7C>T on transcript NM_004408.4 (MANE Select); 7 bases into the intron before coding-DNA position 1197, C replaced by T.
Molecular consequence: intron variant.
Genome position (GRCh38, 1-based): chr9:128,224,244, C>T. VCF-style: chr9-128224244-C-T. GRCh37 (hg19) VCF-style: chr9-130986523-C-T.
Other names: c.1197-7C>T (NM_001005336.3); c.1196+1384C>T (NM_001288738.2, NM_001288737.2, NM_001288739.2).
Identifiers: ClinVar variation 382940 (VCV000382940.45), dbSNP rs41306488, ClinGen allele CA5258026.